The following is an entry in ClinVar:

ClinVar aggregate classification (germline): Uncertain significance (1 of 4 stars; one submission).

Submission:

Labcorp Genetics (formerly Invitae), Labcorp
Classification: Uncertain significance. Last evaluated: 2022-12-07. Review status: criteria provided, single submitter. Criteria: Invitae Variant Classification Sherloc (09022015). Collection method: clinical testing. Allele origin: germline.
Comment: This sequence change replaces serine, which is neutral and polar, with proline, which is neutral and non-polar, at codon 336 of the RASA2 protein (p.Ser336Pro). This variant is not present in population databases (gnomAD no frequency). This variant has not been reported in the literature in individuals affected with RASA2-related conditions. Advanced modeling of protein sequence and biophysical properties (such as structural, functional, and spatial information, amino acid conservation, physicochemical variation, residue mobility, and thermodynamic stability) performed at Invitae indicates that this missense variant is expected to disrupt RASA2 protein function. In summary, the available evidence is currently insufficient to determine the role of this variant in disease. Therefore, it has been classified as a Variant of Uncertain Significance.

NM_006506.5(RASA2):c.1006T>C (p.Ser336Pro)

Gene: RASA2 (RAS p21 protein activator 2; plus strand). Cytogenetic location: 3q23.
Variant type: single nucleotide variant.
Coding change: c.1006T>C on transcript NM_006506.5 (MANE Select); coding-DNA position 1006, T replaced by C.
Protein change: p.Ser336Pro; replaces serine 336 with proline.
Molecular consequence: missense variant.
Genome position (GRCh38, 1-based): chr3:141,571,054, T>C. VCF-style: chr3-141571054-T-C. GRCh37 (hg19) VCF-style: chr3-141289896-T-C.
Other names: c.1006T>C, p.Ser336Pro (NM_001303245.3, NM_001303246.3); short protein forms S336P.
Identifiers: ClinVar variation 2819169 (VCV002819169.3), dbSNP rs2478710058, ClinGen allele CA354775624.
Genomic context (GRCh38, chr3:141,571,054, plus strand): 5'-ACAGAAGACTACGTGCTTCCTTCAGAGTACTATGGTCCTTTGAAAACTTTGCTGCTAAAA[T>C]CACCAGATGTTCAAGTATGTTAAGAATCTTAAGGATATGATTTAACACGAAACGGCTAAA-3'
Protein context (NP_006497.2, residues 326-346): YGPLKTLLLK[Ser336Pro]PDVQPISASA